The following is an entry in ClinVar:

NM_000277.3(PAH):c.250G>T (p.Asp84Tyr)

Gene: PAH (phenylalanine hydroxylase; minus strand). Cytogenetic location: 12q23.2.
Variant type: single nucleotide variant.
Coding change: c.250G>T on transcript NM_000277.3 (MANE Select); coding-DNA position 250, G replaced by T.
Protein change: p.Asp84Tyr; replaces aspartic acid 84 with tyrosine.
Molecular consequence: missense variant.
Genome position (GRCh38, 1-based): chr12:102,894,837, C>A on the plus strand (G>T on the coding strand, the complement: PAH is on the minus strand). VCF-style: chr12-102894837-C-A. GRCh37 (hg19) VCF-style: chr12-103288615-C-A.
Other names: NM_000277.2(PAH):c.250G>T; c.250G>T, p.Asp84Tyr (NM_001354304.2); c.250G>T (NM_000277.2); short protein forms D84Y.
Identifiers: ClinVar variation 102639 (VCV000102639.16), dbSNP rs62514902, ClinGen allele CA229500.

ClinVar aggregate classification (germline): Pathogenic. Review status: reviewed by expert panel (3 of 4 stars). 8 submissions from 8 submitters: Pathogenic (1). 7 of the submissions do not count toward it. Last evaluated 2023-12-30.

Conditions:
Hyperphenylalaninemia. Also called: Hyperphenylalaninemia, non-pku; Hyperphenylalaninemia (HPA); Hyperphenylalaninaemia. Identifiers: MedGen C0751435, HP:0004923.
Phenylketonuria (PKU). Also called: Phenylketonuria (PKU); FOLLING DISEASE; OLIGOPHRENIA PHENYLPYRUVICA; Phenylketonurias. Identifiers: Orphanet 716, MedGen C0031485, MONDO:0009861, OMIM 261600. Disease mechanism: loss of function.

Allele frequency attached by ClinVar (database versions not stated): gnomAD exomes 0.00001; TOPMed 0.00001; gnomAD 0.00002 and 0.00003; ExAC 0.00001.

Submissions (8):

ClinGen PAH Variant Curation Expert Panel
Classification: Pathogenic for Phenylketonuria. Last evaluated: 2023-12-30. Review status: reviewed by expert panel. Criteria: ClinGen PAH ACMG Specifications v1. Collection method: curation. Allele origin: germline. Inheritance: Autosomal recessive inheritance.
Comment: The c.250G>T (p.Asp84Tyr) variant in PAH has been reported in multiple individuals with PKU (BH4 deficiency excluded). (PP4_Moderate; PMID: 9634518). This variant has an extremely low allele frequency (MAF=0.00002) in gnomAD. This variant was detected with multiple pathgenic variants: F39L (PMID:11328945), Y356X (PMID: 15503242), P281L (PMID: 23430918), R158Q (PMID: 19609714) (PM3_VS). Multiple lines of computational evidence support a deleterious effect (SIFT, PolyPhen-2, MutationTaster, REVEL=0.819) (PP3). In summary, this variant meets criteria to be classified as pathogenic for PAH. PAH-specific ACMG/AMP criteria applied: PM3_VS, PM2_supporting, PP4_Moderate, PP3.

Dubai Health Genomic Medicine Center, Dubai Health
Classification: Pathogenic for Hyperphenylalaninemia. Last evaluated: 2024-10-04. Review status: criteria provided, single submitter. Criteria: ACMG Guidelines, 2015. Collection method: research. Allele origin: germline. Affected: yes. Not counted in ClinVar's aggregate classification.
Comment: PM2,PP3,PM3,PP4

Women's Health and Genetics/Laboratory Corporation of America, LabCorp
Classification: Pathogenic for Phenylketonuria. Last evaluated: 2024-05-06. Review status: criteria provided, single submitter. Criteria: LabCorp Variant Classification Summary - May 2015. Collection method: clinical testing. Allele origin: germline. Not counted in ClinVar's aggregate classification.
Comment: Variant summary: PAH c.250G>T (p.Asp84Tyr) results in a non-conservative amino acid change located in the ACT domain (IPR002912) of the encoded protein sequence. Five of five in-silico tools predict a damaging effect of the variant on protein function. The variant allele was found at a frequency of 8e-06 in 251442 control chromosomes (gnomAD). c.250G>T has been reported in the literature in multiple individuals affected with Phenylalanine Hydroxylase Deficiency (Phenylketonuria) (examples: Koch_1997, Levy_2001, Lee_2004, Langenbeck_2009, Sarkissian_2012, Shirzadeh_2018). These data indicate that the variant is very likely to be associated with disease. The following publications have been ascertained in the context of this evaluation (PMID: 9169088, 19609714, 15503242, 11328945, 23430918, 30159852). ClinVar contains an entry for this variant (Variation ID: 102639). Based on the evidence outlined above, the variant was classified as pathogenic.

Natera, Inc.
Classification: Pathogenic for Phenylketonuria. Last evaluated: 2024-02-24. Review status: criteria provided, single submitter. Criteria: Natera Variant Classification Schema (03/2026). Collection method: clinical testing. Allele origin: germline. Not counted in ClinVar's aggregate classification.
Comment: The c.250G>T variant in PAH is a missense variant predicted to cause substitution of aspartic acid to tyrosine at amino acid 84. This variant is rare in the general population with a frequency below the threshold expected for the associated phenotype(s). This variant has been observed in one or more individuals affected with the associated recessive disease, as either homozygous or compound heterozygous with a second variant (PMID: 15503242, 9169088, 19609714, 23430918). Given the available evidence, this variant is classified as Pathogenic.

Labcorp Genetics (formerly Invitae), Labcorp
Classification: Pathogenic for Phenylketonuria. Last evaluated: 2023-09-06. Review status: criteria provided, single submitter. Criteria: Invitae Variant Classification Sherloc (09022015). Collection method: clinical testing. Allele origin: germline. Not counted in ClinVar's aggregate classification.
Comment: This missense change has been observed in individual(s) with phenylketonuria (PMID: 32668217). This sequence change replaces aspartic acid, which is acidic and polar, with tyrosine, which is neutral and polar, at codon 84 of the PAH protein (p.Asp84Tyr). This variant is present in population databases (rs62514902, gnomAD 0.002%). ClinVar contains an entry for this variant (Variation ID: 102639). Advanced modeling of protein sequence and biophysical properties (such as structural, functional, and spatial information, amino acid conservation, physicochemical variation, residue mobility, and thermodynamic stability) performed at Invitae indicates that this missense variant is not expected to disrupt PAH protein function. For these reasons, this variant has been classified as Pathogenic.

Molecular Diagnostics Laboratory, M Health Fairview: University of Minnesota
Classification: Likely pathogenic for Phenylketonuria. Last evaluated: 2017-10-24. Review status: criteria provided, single submitter. Criteria: ACMG Guidelines, 2015. Collection method: clinical testing. Allele origin: germline. Affected: yes. Observed: 1 variant allele. Not counted in ClinVar's aggregate classification.

Eurofins Ntd Llc (ga)
Classification: Pathogenic. Last evaluated: 2014-07-16. Review status: criteria provided, single submitter. Criteria: EGL Classification Definitions 2015. Collection method: clinical testing. Allele origin: germline. Observed: 1 variant allele, 1 heterozygote. Not counted in ClinVar's aggregate classification.

DeBelle Laboratory for Biochemical Genetics, MUHC/MCH RESEARCH INSTITUTE
No classification provided. Review status: no classification provided. Collection method: not provided. Allele origin: not provided. Not counted in ClinVar's aggregate classification.

Literature cited by the submitters: PubMed 19609714 (cited by 3 submitters); PubMed 8659548 (cited by ClinGen PAH Variant Curation Expert Panel and Eurofins Ntd Llc (ga)); PubMed 23430918 (cited by 3 submitters); PubMed 11328945 (cited by ClinGen PAH Variant Curation Expert Panel and Women's Health and Genetics/Laboratory Corporation of America, LabCorp); PubMed 15503242 (cited by 5 submitters); PubMed 9634518 (cited by ClinGen PAH Variant Curation Expert Panel and Molecular Diagnostics Laboratory, M Health Fairview: University of Minnesota); PubMed 9169088 (cited by Women's Health and Genetics/Laboratory Corporation of America, LabCorp and Natera, Inc.); PubMed 30159852 (cited by Women's Health and Genetics/Laboratory Corporation of America, LabCorp); PubMed 32668217 (cited by Labcorp Genetics (formerly Invitae), Labcorp); PubMed 18798839 (cited by Molecular Diagnostics Laboratory, M Health Fairview: University of Minnesota and Eurofins Ntd Llc (ga)); PubMed 10394930 (cited by Molecular Diagnostics Laboratory, M Health Fairview: University of Minnesota and Eurofins Ntd Llc (ga)); PubMed 10693064 (cited by Eurofins Ntd Llc (ga)); PubMed 15633889 (cited by Eurofins Ntd Llc (ga)).